The following is an entry in ClinVar:

ClinVar aggregate classification (germline): Benign/Likely benign. Review status: criteria provided, multiple submitters, no conflicts (2 of 4 stars). 12 submissions from 11 submitters: Benign (6); Likely benign (4). 2 of the submissions do not count toward it. Last evaluated 2026-02-01.

Conditions:
Emery-Dreifuss muscular dystrophy 4, autosomal dominant (EDMD4). Also called: EMERY-DREIFUSS MUSCULAR DYSTROPHY 4 WITH VARIABLE FEATURES. Identifiers: Orphanet 261, MedGen C2751807, MONDO:0013071, OMIM 612998.
Arthrogryposis multiplex congenita 3, myogenic type. Also called: ARTHROGRYPOSIS MULTIPLEX CONGENITA, MYOGENIC TYPE. Identifiers: MedGen C5193121, MONDO:0032778, OMIM 618484.
Autosomal recessive ataxia, Beauce type. Also called: SYNE1 Deficiency; Spinocerebellar ataxia, autosomal recessive 8; ATAXIA, RECESSIVE, OF BEAUCE; SYNE1-Related Autosomal Recessive Cerebellar Ataxia. Identifiers: Orphanet 88644, MedGen C1853116, MONDO:0012549, OMIM 610743.

Allele frequency attached by ClinVar (database versions not stated): 1000 Genomes Project 0.00978; 1000 Genomes Project 30x 0.01015; TOPMed 0.01428; gnomAD 0.01683 and 0.01727; ESP Exome Variant Server 0.01853; gnomAD exomes 0.01964; ExAC 0.02031.
gnomAD v4.1: 35,226 of 1,614,078 alleles (2.2%); highest among the groups gnomAD compares: Middle Eastern, 3.1%; 461 homozygotes.

Submissions (12):

Labcorp Genetics (formerly Invitae), Labcorp
Classification: Benign for Emery-Dreifuss muscular dystrophy 4, autosomal dominant; Autosomal recessive ataxia, Beauce type. Last evaluated: 2026-02-01. Review status: criteria provided, single submitter. Criteria: Invitae Variant Classification Sherloc (09022015). Collection method: clinical testing. Allele origin: germline.

Blueprint Genetics
Classification: Likely benign. Last evaluated: 2024-11-26. Review status: criteria provided, single submitter. Criteria: ACMG Guidelines, 2015. Collection method: clinical testing. Allele origin: germline.

Fulgent Genetics
Classification: Likely benign for Autosomal recessive ataxia, Beauce type; Emery-Dreifuss muscular dystrophy 4, autosomal dominant; Arthrogryposis multiplex congenita 3, myogenic type. Last evaluated: 2021-08-11. Review status: criteria provided, single submitter. Criteria: ACMG Guidelines, 2015. Collection method: clinical testing. Allele origin: unknown.

Illumina Laboratory Services, Illumina
Classification: Benign for Emery-Dreifuss muscular dystrophy 4, autosomal dominant. Last evaluated: 2018-01-12. Review status: criteria provided, single submitter. Criteria: ICSL Variant Classification Criteria 13 December 2019. Collection method: clinical testing. Allele origin: germline.
Comment: This variant was observed in the ICSL laboratory as part of a predisposition screen in an ostensibly healthy population. It had not been previously curated by ICSL or reported in the Human Gene Mutation Database (HGMD: prior to June 1st, 2018), and was therefore a candidate for classification through an automated scoring system. Utilizing variant allele frequency, disease prevalence and penetrance estimates, and inheritance mode, an automated score was calculated to assess if this variant is too frequent to cause the disease. Based on the score and internal cut-off values, a variant classified as benign is not then subjected to further curation. The score for this variant resulted in a classification of benign for this disease.

Illumina Laboratory Services, Illumina
Classification: Benign for Autosomal recessive ataxia, Beauce type. Last evaluated: 2018-01-12. Review status: criteria provided, single submitter. Criteria: ICSL Variant Classification Criteria 13 December 2019. Collection method: clinical testing. Allele origin: germline.
Comment: the same text as in the submission from Illumina Laboratory Services, Illumina above.

Mayo Clinic Laboratories, Mayo Clinic
Classification: Benign. Last evaluated: 2017-12-01. Review status: criteria provided, single submitter. Criteria: ACMG Guidelines, 2015. Collection method: clinical testing. Allele origin: germline. Observed: 53 variant alleles.

GeneDx
Classification: Benign. Last evaluated: 2016-03-01. Review status: criteria provided, single submitter. Criteria: GeneDx Variant Classification (06012015). Collection method: clinical testing. Allele origin: germline. Affected: yes.
Comment: This variant is considered likely benign or benign based on one or more of the following criteria: it is a conservative change, it occurs at a poorly conserved position in the protein, it is predicted to be benign by multiple in silico algorithms, and/or has population frequency not consistent with disease.

Genetic Services Laboratory, University of Chicago
Classification: Likely benign for AllHighlyPenetrant. Last evaluated: 2013-08-23. Review status: criteria provided, single submitter. Criteria: ACMG Guidelines, 2007. Collection method: clinical testing. Allele origin: germline. Inheritance: Autosomal dominant inheritance.

Breakthrough Genomics
Classification: Likely benign. Review status: criteria provided, single submitter. Criteria: ACMG Guidelines, 2015. Collection method: not provided. Allele origin: germline. Inheritance: Autosomal recessive inheritance. Affected: yes.

PreventionGenetics, part of Exact Sciences
Classification: Benign. Review status: criteria provided, single submitter. Criteria: ACMG Guidelines, 2015. Collection method: clinical testing. Allele origin: germline.

Clinical Genetics DNA and cytogenetics Diagnostics Lab, Erasmus MC, Erasmus Medical Center
Classification: Benign. Review status: no assertion criteria provided. Collection method: clinical testing. Allele origin: germline. Affected: yes. Study: VKGL Data-share Consensus. Not counted in ClinVar's aggregate classification.

Clinical Genetics, Academic Medical Center
Classification: Benign. Review status: no assertion criteria provided. Collection method: clinical testing. Allele origin: germline. Affected: yes. Study: VKGL Data-share Consensus. Not counted in ClinVar's aggregate classification.

NM_182961.4(SYNE1):c.20571A>T (p.Ser6857=)

Gene: SYNE1 (spectrin repeat containing nuclear envelope protein 1; minus strand). Cytogenetic location: 6q25.2.
Variant type: single nucleotide variant.
Coding change: c.20571A>T on transcript NM_182961.4 (MANE Select); coding-DNA position 20571, A replaced by T.
Protein change: p.Ser6857=; no amino-acid change (serine 6857 retained).
Molecular consequence: synonymous variant.
Genome position (GRCh38, 1-based): chr6:152,233,922, T>A on the plus strand (A>T on the coding strand, the complement: SYNE1 is on the minus strand). VCF-style: chr6-152233922-T-A. GRCh37 (hg19) VCF-style: chr6-152555057-T-A.
Other names: p.Ser6786=; c.20358A>T, p.Ser6786= (NM_033071.5).
Identifiers: ClinVar variation 130418 (VCV000130418.26), dbSNP rs34905593, ClinGen allele CA155401.
Genomic context (GRCh38, chr6:152,233,922, plus strand): 5'-CAGCGTGGCTGTGTCCACCTTTTTTAGTCGAAGGAGCTGATTTCCAGTACTCAGAACAGA[T>A]GATTTCAGGGAAGATTGGGCATCCACTTCTTTAGAAAACTCCTGAAACAAGTAGCGATGT-3'
Protein context (NP_892006.3, residues 6847-6867): KEVDAQSSLK[Ser6857=]SVLSTGNQLL